The following is an entry in ClinVar:

NM_001813.3(CENPE):c.5874A>G (p.Gln1958=)

Gene: CENPE (centromere protein E; minus strand). Cytogenetic location: 4q24.
Variant type: single nucleotide variant.
Coding change: c.5874A>G on transcript NM_001813.3 (MANE Select); coding-DNA position 5874, A replaced by G.
Protein change: p.Gln1958=; no amino-acid change (glutamine 1958 retained).
Molecular consequence: synonymous variant.
Genome position (GRCh38, 1-based): chr4:103,140,295, T>C on the plus strand (A>G on the coding strand, the complement: CENPE is on the minus strand). VCF-style: chr4-103140295-T-C. GRCh37 (hg19) VCF-style: chr4-104061452-T-C.
Other names: c.5799A>G, p.Gln1933= (NM_001286734.2).
Identifiers: ClinVar variation 709773 (VCV000709773.32), dbSNP rs35862123, ClinGen allele CA3029509.

ClinVar aggregate classification (germline): Benign/Likely benign. Review status: criteria provided, multiple submitters, no conflicts (2 of 4 stars). 5 submissions from 5 submitters: Benign (1); Likely benign (4). Last evaluated 2023-08-17.

Allele frequency attached by ClinVar (database versions not stated): gnomAD exomes 0.00022 and 0.00053; ExAC 0.00069; 1000 Genomes Project 30x 0.00109; 1000 Genomes Project 0.00120; gnomAD 0.00199 and 0.00223; TOPMed 0.00221; ESP Exome Variant Server 0.00269.
gnomAD v4.1: 621 of 1,604,478 alleles (0.039%); highest among the groups gnomAD compares: African/African-American, 0.76%; 4 homozygotes.

Submissions (5):

Blueprint Genetics
Classification: Likely benign. Last evaluated: 2023-08-17. Review status: criteria provided, single submitter. Criteria: ACMG Guidelines, 2015. Collection method: clinical testing. Allele origin: germline.

CeGaT Center for Human Genetics Tuebingen
Classification: Likely benign. Last evaluated: 2023-01-01. Review status: criteria provided, single submitter. Criteria: CeGaT Center For Human Genetics Tuebingen Variant Classification Criteria Version 2. Collection method: clinical testing. Allele origin: germline. Affected: yes. Observed: 1 variant allele.
Comment: CENPE: BP4, BP7

GeneDx
Classification: Likely benign. Last evaluated: 2020-03-27. Review status: criteria provided, single submitter. Criteria: GeneDx Variant Classification Process June 2021. Collection method: clinical testing. Allele origin: germline. Affected: yes.

Labcorp Genetics (formerly Invitae), Labcorp
Classification: Benign. Last evaluated: 2019-12-31. Review status: criteria provided, single submitter. Criteria: Invitae Variant Classification Sherloc (09022015). Collection method: clinical testing. Allele origin: germline.

Breakthrough Genomics
Classification: Likely benign. Review status: criteria provided, single submitter. Criteria: ACMG Guidelines, 2015. Collection method: not provided. Allele origin: germline. Inheritance: Autosomal recessive inheritance. Affected: yes.